The following is an entry in ClinVar:

Conditions:
Breast-ovarian cancer, familial, susceptibility to, 1 (BROVCA1). Also called: BRCA1 Hereditary Breast and Ovarian Cancer; OVARIAN CANCER, SUSCEPTIBILITY TO. Identifiers: Orphanet 145, MedGen C2676676, MONDO:0011450, OMIM 604370. Disease mechanism: loss of function.

Submission:

Brotman Baty Institute, University of Washington
No classification provided (evidence only). Condition: Breast-ovarian cancer, familial 1. Review status: no classification provided. Collection method: in vitro. Allele origin: not applicable. Functional consequence: functionally_normal.
ClinVar note: "not provided" was previously submitted as the classification for the variant. However, the classification appeared to be based only on an observation of functional data so it was converted to no classification on 2025-07-30.

NM_007294.4(BRCA1):c.5402G>C (p.Gly1801Ala)

Gene: BRCA1 (BRCA1 DNA repair associated; minus strand). Cytogenetic location: 17q21.31.
Variant type: single nucleotide variant.
Coding change: c.5402G>C on transcript NM_007294.4 (MANE Select); coding-DNA position 5402, G replaced by C.
Protein change: p.Gly1801Ala; replaces glycine 1801 with alanine.
Molecular consequence: missense variant. On other transcripts: non-coding transcript variant (1), intron variant (1).
Genome position (GRCh38, 1-based): chr17:43,049,125, C>G on the plus strand (G>C on the coding strand, the complement: BRCA1 is on the minus strand). VCF-style: chr17-43049125-C-G. GRCh37 (hg19) VCF-style: chr17-41201142-C-G.
Other names: c.5189G>C, p.Gly1730Ala (NM_001407571.1, NM_001407894.1, NM_001407895.1 and 12 more transcripts); c.5468G>C, p.Gly1823Ala (NM_001407581.1, NM_001407582.1); c.5465G>C, p.Gly1822Ala (NM_001407583.1, NM_001407585.1, NM_001407587.1 and 1 more transcripts); c.5462G>C, p.Gly1821Ala (NM_001407590.1, NM_001407591.1); c.5402G>C, p.Gly1801Ala (NM_001407593.1, NM_001407594.1, NM_001407596.1 and 5 more transcripts); c.5399G>C, p.Gly1800Ala (NM_001407616.1, NM_001407617.1, NM_001407618.1 and 14 more transcripts); c.5396G>C, p.Gly1799Ala (NM_001407635.1, NM_001407636.1, NM_001407637.1 and 13 more transcripts); c.5393G>C, p.Gly1798Ala (NM_001407644.1, NM_001407645.1); and 73 more; short protein forms G697A, G1754A, G1801A, G1822A, G1505A, G1674A, G1688A, G1711A.
Identifiers: ClinVar variation 865703 (VCV000865703.3), dbSNP rs531210457, ClinGen allele CA10590673.
Genomic context (GRCh38, chr17:43,049,125, plus strand): 5'-TGCTCACAGGAGAGAATATTGTGTCCTCCCTCTCTGACAGGGCACCCAATACTTACTGTG[C>G]CAAGGGTGAATGATGAAAGCTCCTTCACCACAGAAGCACCACACAGCTGTACCATCCATT-3'
Protein context (NP_009225.1, residues 1791-1811): VVKELSSFTL[Gly1801Ala]TGVHPIVVVQ